The following is an entry in ClinVar:

NM_000051.4(ATM):c.8268+6T>A

Genes: C11orf65 (chromosome 11 open reading frame 65; minus strand), ATM (ATM serine/threonine kinase; plus strand). Cytogenetic location: 11q22.3.
Variant type: single nucleotide variant.
Coding change: c.8268+6T>A on transcript NM_000051.4 (MANE Select); 6 bases into the intron after coding-DNA position 8268, T replaced by A.
Molecular consequence: intron variant.
Genome position (GRCh38, 1-based): chr11:108,335,967, T>A. VCF-style: chr11-108335967-T-A. GRCh37 (hg19) VCF-style: chr11-108206694-T-A.
Other names: c.8268+6T>A (NM_001351834.2); c.641-26896A>T (NM_001330368.2); c.695-675A>T (NM_001351110.2).
Identifiers: ClinVar variation 236785 (VCV000236785.15), dbSNP rs747153940, ClinGen allele CA6266326.

ClinVar aggregate classification (germline): Conflicting classifications of pathogenicity. Review status: criteria provided, conflicting classifications (1 of 4 stars). 7 submissions from 7 submitters: Uncertain significance (1); Likely benign (5). 1 of the submissions does not count toward it. Last evaluated 2026-01-14.

Conditions:
Hereditary cancer-predisposing syndrome. Also called: Neoplastic Syndromes, Hereditary; Hereditary neoplastic syndrome; Tumor predisposition; Hereditary Cancer Syndrome. Identifiers: Orphanet 140162, MedGen C0027672, MeSH D009386, MONDO:0015356.
Ataxia-telangiectasia syndrome (AT). Also called: Ataxia telangiectasia (A-T); Cerebello-oculocutaneous telangiectasia; Immunodeficiency with ataxia telangiectasia; LOUIS-BAR SYNDROME; AT, COMPLEMENTATION GROUP C; ATAXIA-TELANGIECTASIA, FRESNO VARIANT. Identifiers: Orphanet 100, MedGen C0004135, MONDO:0008840, OMIM 208900.
Familial cancer of breast. Also called: hereditary breast carcinoma; Hereditary breast cancer; BREAST CANCER, FAMILIAL. Identifiers: Orphanet 227535, MedGen C0346153, MONDO:0016419, OMIM 114480. Disease mechanism: loss of function.

Allele frequency attached by ClinVar (database versions not stated): gnomAD exomes 0.00001 and 0.00002; ExAC 0.00002; gnomAD 0.00002; TOPMed 0.00002.
gnomAD v4.1: 35 of 1,592,506 alleles (0.0022%); highest among the groups gnomAD compares: Non-Finnish European, 0.0026%; no homozygotes.

Submissions (7):

Labcorp Genetics (formerly Invitae), Labcorp
Classification: Likely benign for Ataxia-telangiectasia syndrome. Last evaluated: 2026-01-14. Review status: criteria provided, single submitter. Criteria: Invitae Variant Classification Sherloc (09022015). Collection method: clinical testing. Allele origin: germline.

Blueprint Genetics
Classification: Likely benign. Last evaluated: 2024-11-07. Review status: criteria provided, single submitter. Criteria: ACMG Guidelines, 2015. Collection method: clinical testing. Allele origin: germline.

Women's Health and Genetics/Laboratory Corporation of America, LabCorp
Classification: Uncertain significance. Last evaluated: 2024-05-24. Review status: criteria provided, single submitter. Criteria: LabCorp Variant Classification Summary - May 2015. Collection method: clinical testing. Allele origin: germline.
Comment: Variant summary: ATM c.8268+6T>A alters a non-conserved nucleotide located close to a canonical splice site and therefore could affect mRNA splicing, leading to a significantly altered protein sequence. Consensus agreement among computation tools predict no significant impact on normal splicing. However, these predictions have yet to be confirmed by functional studies. The variant allele was found at a frequency of 8e-06 in 250500 control chromosomes. The available data on variant occurrences in the general population are insufficient to allow any conclusion about variant significance. To our knowledge, no occurrence of c.8268+6T>A in individuals affected with Ataxia-Telangiectasia and no experimental evidence demonstrating its impact on protein function have been reported. ClinVar contains an entry for this variant (Variation ID: 236785). Based on the evidence outlined above, the variant was classified as uncertain significance.

Department of Pathology and Laboratory Medicine, Sinai Health System
Classification: Likely benign for Familial cancer of breast. Last evaluated: 2021-04-13. Review status: criteria provided, single submitter. Criteria: ACMG Guidelines, 2015. Collection method: clinical testing. Allele origin: germline. Affected: yes.

Color Diagnostics, LLC DBA Color Health
Classification: Likely benign for Hereditary cancer-predisposing syndrome. Last evaluated: 2020-08-05. Review status: criteria provided, single submitter. Criteria: ACMG Guidelines, 2015. Collection method: clinical testing. Allele origin: germline.

GeneDx
Classification: Likely benign. Last evaluated: 2018-04-30. Review status: criteria provided, single submitter. Criteria: GeneDx Variant Classification Process June 2021. Collection method: clinical testing. Allele origin: germline. Affected: yes.
Comment: This variant is associated with the following publications: (PMID: 25980754)

Counsyl
Classification: Uncertain significance for Ataxia-telangiectasia syndrome. Last evaluated: 2017-08-02. Review status: no assertion criteria provided. Collection method: clinical testing. Allele origin: unknown. Not counted in ClinVar's aggregate classification.